The following is an entry in ClinVar:

NM_000540.3(RYR1):c.10373T>C (p.Phe3458Ser)

Gene: RYR1 (ryanodine receptor 1; plus strand). Cytogenetic location: 19q13.2.
Variant type: single nucleotide variant.
Coding change: c.10373T>C on transcript NM_000540.3 (MANE Select); coding-DNA position 10373, T replaced by C.
Protein change: p.Phe3458Ser; replaces phenylalanine 3458 with serine.
Molecular consequence: missense variant.
Genome position (GRCh38, 1-based): chr19:38,523,242, T>C. VCF-style: chr19-38523242-T-C. GRCh37 (hg19) VCF-style: chr19-39013882-T-C.
Other names: c.10373T>C, p.Phe3458Ser (NM_001042723.2); short protein forms F3458S.
Identifiers: ClinVar variation 5028625 (VCV005028625.1).

ClinVar aggregate classification (germline): Uncertain significance (1 of 4 stars; one submission).

Conditions:
Inborn genetic diseases. Identifiers: MedGen C0950123, MeSH D030342.

Submission:

Ambry Genetics
Classification: Uncertain significance for Inborn genetic diseases. Last evaluated: 2026-07-06. Review status: criteria provided, single submitter. Criteria: Ambry Variant Classification Scheme 2023. Collection method: clinical testing. Allele origin: germline.
Comment: The p.F3458S variant (also known as c.10373T>C), located in coding exon 69 of the RYR1 gene, results from a T to C substitution at nucleotide position 10373. The phenylalanine at codon 3458 is replaced by serine, an amino acid with highly dissimilar properties. This amino acid position is conserved. In addition, this alteration is predicted to be deleterious by in silico analysis. Based on the available evidence, the clinical significance of this variant remains unclear.